The following is an entry in ClinVar:

ClinVar aggregate classification (germline): Conflicting classifications of pathogenicity. Review status: criteria provided, conflicting classifications (1 of 4 stars). 3 submissions from 3 submitters: Likely pathogenic (1); Uncertain significance (2). Last evaluated 2025-11-12.

Conditions:
Inborn genetic diseases. Identifiers: MedGen C0950123, MeSH D030342.

Allele frequency attached by ClinVar (database versions not stated): gnomAD exomes 0.00001; TOPMed 0.00001; ExAC 0.00002.
gnomAD v4.1: 15 of 1,613,804 alleles (0.00093%); highest among the groups gnomAD compares: Admixed American, 0.0017%; no homozygotes.

Submissions (3):

Ambry Genetics
Classification: Uncertain significance for Inborn genetic diseases. Last evaluated: 2025-11-12. Review status: criteria provided, single submitter. Criteria: Ambry Variant Classification Scheme 2023. Collection method: clinical testing. Allele origin: germline.

Women's Health and Genetics/Laboratory Corporation of America, LabCorp
Classification: Uncertain significance. Last evaluated: 2024-05-07. Review status: criteria provided, single submitter. Criteria: LabCorp Variant Classification Summary - May 2015. Collection method: clinical testing. Allele origin: germline.
Comment: Variant summary: TMPRSS3 c.1307G>A (p.Arg436His) results in a non-conservative amino acid change located in the Serine proteases, trypsin domain (IPR001254) of the encoded protein sequence. Five of five in-silico tools predict a damaging effect of the variant on protein function. The variant allele was found at a frequency of 1.2e-05 in 251384 control chromosomes. The available data on variant occurrences in the general population are insufficient to allow any conclusion about variant significance. To our knowledge, no occurrence of c.1307G>A in individuals affected with Deafness, Autosomal Recessive 8 and no experimental evidence demonstrating its impact on protein function have been reported. ClinVar contains an entry for this variant (Variation ID: 1961947). Based on the evidence outlined above, the variant was classified as uncertain significance.

Labcorp Genetics (formerly Invitae), Labcorp
Classification: Likely pathogenic. Last evaluated: 2024-01-12. Review status: criteria provided, single submitter. Criteria: Invitae Variant Classification Sherloc (09022015). Collection method: clinical testing. Allele origin: germline.
Comment: This sequence change replaces arginine, which is basic and polar, with histidine, which is basic and polar, at codon 436 of the TMPRSS3 protein (p.Arg436His). This variant is present in population databases (rs769807644, gnomAD 0.01%). This variant has not been reported in the literature in individuals affected with TMPRSS3-related conditions. ClinVar contains an entry for this variant (Variation ID: 1961947). Advanced modeling of protein sequence and biophysical properties (such as structural, functional, and spatial information, amino acid conservation, physicochemical variation, residue mobility, and thermodynamic stability) performed at Invitae indicates that this missense variant is expected to disrupt TMPRSS3 protein function with a positive predictive value of 80%. This variant disrupts the p.Arg436Pro amino acid residue in TMPRSS3. Other variant(s) that disrupt this residue have been determined to be pathogenic (Invitae). This suggests that this residue is clinically significant, and that variants that disrupt this residue are likely to be disease-causing. In summary, the currently available evidence indicates that the variant is pathogenic, but additional data are needed to prove that conclusively. Therefore, this variant has been classified as Likely Pathogenic.

NM_001256317.3(TMPRSS3):c.1304G>A (p.Arg435His)

Gene: TMPRSS3 (transmembrane serine protease 3; minus strand). Cytogenetic location: 21q22.3.
Variant type: single nucleotide variant.
Coding change: c.1304G>A on transcript NM_001256317.3 (MANE Select); coding-DNA position 1304, G replaced by A.
Protein change: p.Arg435His; replaces arginine 435 with histidine.
Molecular consequence: missense variant.
Genome position (GRCh38, 1-based): chr21:42,375,756, C>T on the plus strand (G>A on the coding strand, the complement: TMPRSS3 is on the minus strand). VCF-style: chr21-42375756-C-T. GRCh37 (hg19) VCF-style: chr21-43795865-C-T.
Other names: c.926G>A, p.Arg309His (NM_032404.3); c.1307G>A (NM_024022.2); c.1307G>A, p.Arg436His (NM_024022.4); short protein forms R309H, R436H, R435H.
Identifiers: ClinVar variation 1961947 (VCV001961947.7), dbSNP rs769807644, ClinGen allele CA10042252.
Genomic context (GRCh38, chr21:42,375,756, plus strand): 5'-GGGGAGGGCGCCGCACCCACCTCCATCTGCTCGTGGATCCAGTCCAGGAAGGAGGTGACA[C>T]GGGTGTACACCCCAGGCTTGTTCACCTCTGCGCAGCCGATGCCAAAGCTGGTCGCTCCCA-3'
Protein context (NP_001243246.1, residues 425-445): AEVNKPGVYT[Arg435His]VTSFLDWIHE